The following is an entry in ClinVar:

NC_012920.1(MT-CYB):m.15164T>C

Gene: MT-CYB (mitochondrially encoded cytochrome b; plus strand).
Variant type: single nucleotide variant.
Genome position: chrM-15164-T-C.
Identifiers: ClinVar variation 693836 (VCV000693836.1), dbSNP rs1603225118, ClinGen allele CA913173122.
Genomic context (GRCh38, chrMT:15,164, plus strand): 5'-CTGCTTGCAACTATAGCAACAGCCTTCATAGGCTATGTCCTCCCGTGAGGCCAAATATCA[T>C]TCTGAGGGGCCACAGTAATTACAAACTTACTATCCGCCATCCCATACATTGGGACAGACC-3'

ClinVar aggregate classification (germline): Benign (1 of 4 stars; one submission).

Conditions:
Leigh syndrome (NULS). Also called: Leigh's necrotizing encephalopathy; Leigh's disease; Leigh's syndrome; LEIGH SYNDROME, NUCLEAR; Leigh Syndrome (mtDNA deletion); Leigh Disease. Identifiers: Orphanet 506, MedGen C2931891, MONDO:0009723, OMIM 256000.

Submission:

Wong Mito Lab, Molecular and Human Genetics, Baylor College of Medicine
Classification: Benign for Leigh syndrome. Last evaluated: 2019-10-17. Review status: criteria provided, single submitter. Criteria: Modified ACMG Guidelines (Unpublished). Collection method: clinical testing. Allele origin: germline.
Comment: The NC_012920.1:m.15164T>C (YP_003024038.1:p.Phe140Leu) variant in MTCYB gene is interpretated to be a Benign variant based on the modified ACMG guidelines (unpublished). This variant meets the following evidence codes: BS1, BS4, BP4